The following is an entry in ClinVar:

ClinVar aggregate classification (germline): Likely benign (0 of 4 stars; one submission).

Conditions:
MARS2-related disorder. Also called: MARS2-related condition.

Allele frequency attached by ClinVar (database versions not stated): TOPMed below 0.00001; gnomAD 0.00001.

Submission:

PreventionGenetics, part of Exact Sciences
Classification: Likely benign for MARS2-related condition. Last evaluated: 2019-02-19. Review status: no assertion criteria provided. Collection method: clinical testing. Allele origin: germline.
Comment: This variant is classified as likely benign based on ACMG/AMP sequence variant interpretation guidelines (Richards et al. 2015 PMID: 25741868, with internal and published modifications).

NM_138395.4(MARS2):c.-3A>G

Genes: MARS2 (methionyl-tRNA synthetase 2, mitochondrial; plus strand), LOC129935364 (ATAC-STARR-seq lymphoblastoid silent region 12216; plus strand). Cytogenetic location: 2q33.1.
Variant type: single nucleotide variant.
Coding change: c.-3A>G on transcript NM_138395.4 (MANE Select); 3 bases upstream of the start codon, A replaced by G.
Molecular consequence: 5 prime UTR variant.
Genome position (GRCh38, 1-based): chr2:197,705,403, A>G. VCF-style: chr2-197705403-A-G. GRCh37 (hg19) VCF-style: chr2-198570127-A-G.
Identifiers: ClinVar variation 3058265 (VCV003058265.2), dbSNP rs1337589493, ClinGen allele CA538917136.